The following is an entry in ClinVar:

NM_021969.3(NR0B2):c.468C>T (p.Phe156=)

Genes: NR0B2 (nuclear receptor subfamily 0 group B member 2; minus strand), NUDC (nuclear distribution C, dynein complex regulator; plus strand). Cytogenetic location: 1p36.11.
Variant type: single nucleotide variant.
Coding change: c.468C>T on transcript NM_021969.3 (MANE Select); coding-DNA position 468, C replaced by T.
Protein change: p.Phe156=; no amino-acid change (phenylalanine 156 retained).
Molecular consequence: synonymous variant.
Genome position (GRCh38, 1-based): chr1:26,913,473, G>A on the plus strand (C>T on the coding strand, the complement: NR0B2 is on the minus strand). VCF-style: chr1-26913473-G-A. GRCh37 (hg19) VCF-style: chr1-27239964-G-A.
Identifiers: ClinVar variation 3357877 (VCV003357877.1).

ClinVar aggregate classification (germline): Likely benign (0 of 4 stars; one submission).

Conditions:
NR0B2-related disorder. Also called: NR0B2-related condition.

Submission:

PreventionGenetics, part of Exact Sciences
Classification: Likely benign for NR0B2-related condition. Last evaluated: 2022-03-25. Review status: no assertion criteria provided. Collection method: clinical testing. Allele origin: germline.
Comment: This variant is classified as likely benign based on ACMG/AMP sequence variant interpretation guidelines (Richards et al. 2015 PMID: 25741868, with internal and published modifications).